The following is an entry in ClinVar:

ClinVar aggregate classification (germline): Uncertain significance (1 of 4 stars; one submission).

Allele frequency attached by ClinVar (database versions not stated): ExAC 0.00001.

Submission:

Labcorp Genetics (formerly Invitae), Labcorp
Classification: Uncertain significance. Last evaluated: 2022-04-10. Review status: criteria provided, single submitter. Criteria: Invitae Variant Classification Sherloc (09022015). Collection method: clinical testing. Allele origin: germline.
Comment: In summary, the available evidence is currently insufficient to determine the role of this variant in disease. Therefore, it has been classified as a Variant of Uncertain Significance. Algorithms developed to predict the effect of missense changes on protein structure and function (SIFT, PolyPhen-2, Align-GVGD) all suggest that this variant is likely to be disruptive. This variant has not been reported in the literature in individuals affected with H6PD-related conditions. This variant is present in population databases (rs761784820, gnomAD 0.0009%). This sequence change replaces valine, which is neutral and non-polar, with glutamic acid, which is acidic and polar, at codon 689 of the H6PD protein (p.Val689Glu).

NM_004285.4(H6PD):c.2066T>A (p.Val689Glu)

Gene: H6PD (hexose-6-phosphate dehydrogenase/glucose 1-dehydrogenase; plus strand). Cytogenetic location: 1p36.22.
Variant type: single nucleotide variant.
Coding change: c.2066T>A on transcript NM_004285.4 (MANE Select); coding-DNA position 2066, T replaced by A.
Protein change: p.Val689Glu; replaces valine 689 with glutamic acid.
Molecular consequence: missense variant.
Genome position (GRCh38, 1-based): chr1:9,264,559, T>A. VCF-style: chr1-9264559-T-A. GRCh37 (hg19) VCF-style: chr1-9324618-T-A.
Other names: c.2099T>A, p.Val700Glu (NM_001282587.2); short protein forms V689E, V700E.
Identifiers: ClinVar variation 2124426 (VCV002124426.4), dbSNP rs761784820, ClinGen allele CA575505.
Genomic context (GRCh38, chr1:9,264,559, plus strand): 5'-GCGCCCAGATCTATGCCAGGGAGATCTCAGCCCTGGTGGCCAACAGCAGCTTCGACCTGG[T>A]GCTGCTGGGCATGGGTGCCGACGGGCACACAGCCTCCCTCTTCCCACAGTCACCCACTGG-3'
Protein context (NP_004276.2, residues 679-699): ALVANSSFDL[Val689Glu]LLGMGADGHT